The following is an entry in ClinVar:

NM_002860.4(ALDH18A1):c.1370G>A (p.Arg457His)

Gene: ALDH18A1 (aldehyde dehydrogenase 18 family member A1; minus strand). Cytogenetic location: 10q24.1.
Variant type: single nucleotide variant.
Coding change: c.1370G>A on transcript NM_002860.4 (MANE Select); coding-DNA position 1370, G replaced by A.
Protein change: p.Arg457His; replaces arginine 457 with histidine.
Molecular consequence: missense variant.
Genome position (GRCh38, 1-based): chr10:95,621,128, C>T on the plus strand (G>A on the coding strand, the complement: ALDH18A1 is on the minus strand). VCF-style: chr10-95621128-C-T. GRCh37 (hg19) VCF-style: chr10-97380885-C-T.
Other names: c.1364G>A, p.Arg455His (NM_001017423.2, NM_001323415.2); c.1037G>A, p.Arg346His (NM_001323412.2, NM_001323416.2); c.1370G>A, p.Arg457His (NM_001323413.2, NM_001323414.2); c.1265G>A, p.Arg422His (NM_001323417.2); c.1031G>A, p.Arg344His (NM_001323418.2); c.734G>A, p.Arg245His (NM_001323419.2); short protein forms R457H, R245H, R346H, R344H, R455H, R422H.
Identifiers: ClinVar variation 575749 (VCV000575749.16), dbSNP rs570730665, ClinGen allele CA5620337.

ClinVar aggregate classification (germline): Uncertain significance. Review status: criteria provided, multiple submitters, no conflicts (2 of 4 stars). 5 submissions from 5 submitters: Uncertain significance (4). 1 of the submissions does not count toward it. Last evaluated 2025-12-15.

Conditions:
Autosomal dominant spastic paraplegia type 9. Identifiers: MedGen C1832669, MONDO:0015091.
de Barsy syndrome. Also called: Cutis laxa-corneal clouding-oligophrenia syndrome. Identifiers: Orphanet 2962, MedGen C0268354, MONDO:0017569.
Cutis laxa, autosomal dominant 3 (ADCL3). Identifiers: Orphanet 90348, MedGen C4225268, MONDO:0014706, OMIM 616603.
Inborn genetic diseases. Identifiers: MedGen C0950123, MeSH D030342.
Hereditary spastic paraplegia 9A. Also called: SPASTIC PARAPARESIS WITH AMYOTROPHY, CATARACTS, AND GASTROESOPHAGEAL REFLUX; SPASTIC PARAPLEGIA 9A, AUTOSOMAL DOMINANT; CATARACTS WITH MOTOR NEURONOPATHY, SHORT STATURE, AND SKELETAL ABNORMALITIES. Identifiers: Orphanet 100990, Orphanet 447753, MedGen C5568978, MONDO:0011006, OMIM 601162.
ALDH18A1-related disorder. Also called: ALDH18A1-related disorders.

Allele frequency attached by ClinVar (database versions not stated): TOPMed 0.00006.

Submissions (5):

Labcorp Genetics (formerly Invitae), Labcorp
Classification: Uncertain significance for Autosomal dominant spastic paraplegia type 9; de Barsy syndrome; Cutis laxa, autosomal dominant 3. Last evaluated: 2025-12-15. Review status: criteria provided, single submitter. Criteria: Invitae Variant Classification Sherloc (09022015). Collection method: clinical testing. Allele origin: germline.
Comment: This sequence change replaces arginine, which is basic and polar, with histidine, which is basic and polar, at codon 457 of the ALDH18A1 protein (p.Arg457His). This variant is present in population databases (rs570730665, gnomAD 0.02%). This variant has not been reported in the literature in individuals affected with ALDH18A1-related conditions. ClinVar contains an entry for this variant (Variation ID: 575749). Invitae Evidence Modeling of protein sequence and biophysical properties (such as structural, functional, and spatial information, amino acid conservation, physicochemical variation, residue mobility, and thermodynamic stability) has been performed for this missense variant. However, the output from this modeling did not meet the statistical confidence thresholds required to predict the impact of this variant on ALDH18A1 protein function. In summary, the available evidence is currently insufficient to determine the role of this variant in disease. Therefore, it has been classified as a Variant of Uncertain Significance.

PreventionGenetics, part of Exact Sciences
Classification: Uncertain significance for ALDH18A1-related condition. Last evaluated: 2025-01-11. Review status: criteria provided, single submitter. Criteria: ACMG Guidelines, 2015. Collection method: clinical testing. Allele origin: germline.
Comment: The ALDH18A1 c.1370G>A variant is predicted to result in the amino acid substitution p.Arg457His. To our knowledge, this variant has not been reported in the literature. This variant is reported in 0.020% of alleles in individuals of South Asian descent in gnomAD. At this time, the clinical significance of this variant is uncertain due to the absence of conclusive functional and genetic evidence.

Ambry Genetics
Classification: Uncertain significance for Inborn genetic diseases. Last evaluated: 2023-09-20. Review status: criteria provided, single submitter. Criteria: Ambry Variant Classification Scheme 2023. Collection method: clinical testing. Allele origin: germline.

GeneDx
Classification: Uncertain significance. Last evaluated: 2021-12-17. Review status: criteria provided, single submitter. Criteria: GeneDx Variant Classification Process June 2021. Collection method: clinical testing. Allele origin: germline. Affected: yes.
Comment: Has not been previously published as pathogenic or benign to our knowledge; In silico analysis supports that this missense variant has a deleterious effect on protein structure/function; Reported in ClinVar as a variant of uncertain significance (ClinVar Variant ID#575749; Landrum et al., 2016)

Clinical Genetics Laboratory, University Hospital Schleswig-Holstein
Classification: Uncertain significance for Hereditary spastic paraplegia 9A. Last evaluated: 2021-12-01. Review status: no assertion criteria provided. Collection method: clinical testing. Allele origin: germline. Affected: yes. Not counted in ClinVar's aggregate classification.